The following is an entry in ClinVar:

ClinVar aggregate classification (germline): Benign (1 of 4 stars; one submission).

Conditions:
Juvenile polyposis syndrome (JPS). Identifiers: Orphanet 2929, MedGen C0345893, MONDO:0017380, OMIM 174900.

gnomAD v4.1: 2 of 1,612,986 alleles (0.00012%); highest among the groups gnomAD compares: Non-Finnish European, 0.00017%; no homozygotes.

Submission:

Myriad Genetics, Inc.
Classification: Benign for Juvenile polyposis syndrome. Last evaluated: 2024-09-25. Review status: criteria provided, single submitter. Criteria: Myriad Autosomal Dominant, Autosomal Recessive and X-Linked Classification Criteria (2023). Collection method: clinical testing. Allele origin: unknown.
Comment: This variant is considered benign. This variant occurs in the non-coding 3' untranslated region of the gene, and is not expected to impact protein function.

NM_004329.3(BMPR1A):c.*8A>G

Gene: BMPR1A (bone morphogenetic protein receptor type 1A; plus strand). Cytogenetic location: 10q23.2.
Variant type: single nucleotide variant.
Coding change: c.*8A>G on transcript NM_004329.3 (MANE Select); 8 bases downstream of the stop codon, A replaced by G.
Molecular consequence: 3 prime UTR variant. On other transcripts: non-coding transcript variant (3).
Genome position (GRCh38, 1-based): chr10:86,923,727, A>G. VCF-style: chr10-86923727-A-G. GRCh37 (hg19) VCF-style: chr10-88683484-A-G.
Other names: c.*8A>G (NM_001406559.1, NM_001406560.1, NM_001406561.1 and 28 more transcripts).
Identifiers: ClinVar variation 3378545 (VCV003378545.1).